The following is an entry in ClinVar:

ClinVar aggregate classification (germline): Uncertain significance. Review status: criteria provided, multiple submitters, no conflicts (2 of 4 stars). 2 submissions from 2 submitters: Uncertain significance (2). Last evaluated 2025-12-10.

Conditions:
Inborn genetic diseases. Identifiers: MedGen C0950123, MeSH D030342.
Immunodeficiency 104. Also called: SCID, AUTOSOMAL RECESSIVE, T CELL-NEGATIVE, B CELL-POSITIVE, NK CELL-POSITIVE; Severe combined immunodeficiency, autosomal recessive, T cell-negative, B cell-positive, NK cell-positive; IMMUNODEFICIENCY 104, SEVERE COMBINED; Severe Combined Immune Deficiency, Autosomal Recessive, TCell -Negative, B Cell-Positive, NK Cell-Positive, IL7R-Related. Identifiers: MedGen C5676890, MONDO:0012163, OMIM 608971.

Submissions (2):

Ambry Genetics
Classification: Uncertain significance for Inborn genetic diseases. Last evaluated: 2025-12-10. Review status: criteria provided, single submitter. Criteria: Ambry Variant Classification Scheme 2023. Collection method: clinical testing. Allele origin: germline.

Labcorp Genetics (formerly Invitae), Labcorp
Classification: Uncertain significance for Immunodeficiency 104. Last evaluated: 2024-10-29. Review status: criteria provided, single submitter. Criteria: Invitae Variant Classification Sherloc (09022015). Collection method: clinical testing. Allele origin: germline.
Comment: This sequence change replaces serine, which is neutral and polar, with isoleucine, which is neutral and non-polar, at codon 42 of the PTPRC protein (p.Ser42Ile). This variant is not present in population databases (gnomAD no frequency). This variant has not been reported in the literature in individuals affected with PTPRC-related conditions. ClinVar contains an entry for this variant (Variation ID: 646998). An algorithm developed to predict the effect of missense changes on protein structure and function (PolyPhen-2) suggests that this variant is likely to be tolerated. In summary, the available evidence is currently insufficient to determine the role of this variant in disease. Therefore, it has been classified as a Variant of Uncertain Significance.

NM_002838.5(PTPRC):c.125G>T (p.Ser42Ile)

Gene: PTPRC (protein tyrosine phosphatase receptor type C; plus strand). Cytogenetic location: 1q31.3.
Variant type: single nucleotide variant.
Coding change: c.125G>T on transcript NM_002838.5 (MANE Select); coding-DNA position 125, G replaced by T.
Protein change: p.Ser42Ile; replaces serine 42 with isoleucine.
Molecular consequence: missense variant. On other transcripts: intron variant (1).
Genome position (GRCh38, 1-based): chr1:198,696,736, G>T. VCF-style: chr1-198696736-G-T. GRCh37 (hg19) VCF-style: chr1-198665865-G-T.
Other names: c.119G>T (NM_002838.3); c.100+4363G>T (NM_080921.4); short protein forms S42I.
Identifiers: ClinVar variation 646998 (VCV000646998.12), dbSNP rs1159457079, ClinGen allele CA344096733.